The following is an entry in ClinVar:

NM_001098.3(ACO2):c.1160A>G (p.Asn387Ser)

Gene: ACO2 (aconitase 2; plus strand). Cytogenetic location: 22q13.2.
Variant type: single nucleotide variant.
Coding change: c.1160A>G on transcript NM_001098.3 (MANE Select); coding-DNA position 1160, A replaced by G.
Protein change: p.Asn387Ser; replaces asparagine 387 with serine.
Molecular consequence: missense variant.
Genome position (GRCh38, 1-based): chr22:41,522,851, A>G. VCF-style: chr22-41522851-A-G. GRCh37 (hg19) VCF-style: chr22-41918855-A-G.
Other names: short protein forms N387S.
Identifiers: ClinVar variation 1351030 (VCV001351030.8), dbSNP rs1476492162, ClinGen allele CA411724655.

ClinVar aggregate classification (germline): Uncertain significance (1 of 4 stars; one submission).

Allele frequency attached by ClinVar (database versions not stated): gnomAD exomes below 0.00001; gnomAD 0.00001; TOPMed 0.00001.
gnomAD v4.1: 3 of 1,614,068 alleles (0.00019%); highest among the groups gnomAD compares: African/African-American, 0.0027%; no homozygotes.

Submission:

Labcorp Genetics (formerly Invitae), Labcorp
Classification: Uncertain significance. Last evaluated: 2025-11-23. Review status: criteria provided, single submitter. Criteria: Invitae Variant Classification Sherloc (09022015). Collection method: clinical testing. Allele origin: germline.
Comment: This sequence change replaces asparagine, which is neutral and polar, with serine, which is neutral and polar, at codon 387 of the ACO2 protein (p.Asn387Ser). This variant is present in population databases (no rsID available, gnomAD 0.007%). This variant has not been reported in the literature in individuals affected with ACO2-related conditions. ClinVar contains an entry for this variant (Variation ID: 1351030). Invitae Evidence Modeling of protein sequence and biophysical properties (such as structural, functional, and spatial information, amino acid conservation, physicochemical variation, residue mobility, and thermodynamic stability) indicates that this missense variant is expected to disrupt ACO2 protein function with a positive predictive value of 80%. In summary, the available evidence is currently insufficient to determine the role of this variant in disease. Therefore, it has been classified as a Variant of Uncertain Significance.